The following is an entry in ClinVar:

ClinVar aggregate classification (germline): Uncertain significance (1 of 4 stars; one submission).

Allele frequency attached by ClinVar (database versions not stated): gnomAD 0.00001; TOPMed below 0.00001.
gnomAD v4.1: 4 of 1,613,726 alleles (0.00025%); highest among the groups gnomAD compares: Admixed American, 0.005%; no homozygotes.

Submission:

Labcorp Genetics (formerly Invitae), Labcorp
Classification: Uncertain significance. Last evaluated: 2022-01-06. Review status: criteria provided, single submitter. Criteria: Invitae Variant Classification Sherloc (09022015). Collection method: clinical testing. Allele origin: germline.
Comment: This sequence change replaces methionine, which is neutral and non-polar, with isoleucine, which is neutral and non-polar, at codon 42 of the SLC45A2 protein (p.Met42Ile). This variant is not present in population databases (gnomAD no frequency). This missense change has been observed in individuals with oculocutaneous albinism or ocular albinism (PMID: 17768386, 20861488). ClinVar contains an entry for this variant (Variation ID: 1023874). Algorithms developed to predict the effect of missense changes on protein structure and function are either unavailable or do not agree on the potential impact of this missense change (SIFT: "Deleterious"; PolyPhen-2: "Probably Damaging"; Align-GVGD: "Class C0"). In summary, the available evidence is currently insufficient to determine the role of this variant in disease. Therefore, it has been classified as a Variant of Uncertain Significance.

Literature cited by the submitters: PubMed 17768386; PubMed 20861488.

NM_016180.5(SLC45A2):c.126G>T (p.Met42Ile)

Gene: SLC45A2 (solute carrier family 45 member 2; minus strand). Cytogenetic location: 5p13.2.
Variant type: single nucleotide variant.
Coding change: c.126G>T on transcript NM_016180.5 (MANE Select); coding-DNA position 126, G replaced by T.
Protein change: p.Met42Ile; replaces methionine 42 with isoleucine.
Molecular consequence: missense variant.
Genome position (GRCh38, 1-based): chr5:33,984,458, C>A on the plus strand (G>T on the coding strand, the complement: SLC45A2 is on the minus strand). VCF-style: chr5-33984458-C-A. GRCh37 (hg19) VCF-style: chr5-33984563-C-A.
Other names: c.126G>T, p.Met42Ile (NM_001012509.4, NM_001297417.4); short protein forms M42I.
Identifiers: ClinVar variation 1023874 (VCV001023874.6), dbSNP rs1579564783, ClinGen allele CA359397763.